The following is an entry in ClinVar:

NM_018238.4(AGK):c.1133G>A (p.Gly378Glu)

Gene: AGK (acylglycerol kinase; plus strand). Cytogenetic location: 7q34.
Variant type: single nucleotide variant.
Coding change: c.1133G>A on transcript NM_018238.4 (MANE Select); coding-DNA position 1133, G replaced by A.
Protein change: p.Gly378Glu; replaces glycine 378 with glutamic acid.
Molecular consequence: missense variant.
Genome position (GRCh38, 1-based): chr7:141,652,788, G>A. VCF-style: chr7-141652788-G-A. GRCh37 (hg19) VCF-style: chr7-141352588-G-A.
Other names: short protein forms G378E.
Identifiers: ClinVar variation 2011707 (VCV002011707.4), dbSNP rs1587181760, ClinGen allele CA369542807.

ClinVar aggregate classification (germline): Uncertain significance (1 of 4 stars; one submission).

Conditions:
Cataract 38. Also called: Cataract, autosomal recessive congenital 5; Cataract 38, autosomal recessive. Identifiers: Orphanet 91492, MedGen C3553494, MONDO:0013859, OMIM 614691.
Sengers syndrome. Also called: MITOCHONDRIAL DNA DEPLETION SYNDROME 10 (CARDIOMYOPATHIC TYPE); Cardiomyopathy and cataract. Identifiers: Orphanet 1369, MedGen C1859317, MONDO:0008922, OMIM 212350.

Submission:

Labcorp Genetics (formerly Invitae), Labcorp
Classification: Uncertain significance for Sengers syndrome; Cataract 38. Last evaluated: 2024-10-16. Review status: criteria provided, single submitter. Criteria: Invitae Variant Classification Sherloc (09022015). Collection method: clinical testing. Allele origin: germline.
Comment: This sequence change replaces glycine, which is neutral and non-polar, with glutamic acid, which is acidic and polar, at codon 378 of the AGK protein (p.Gly378Glu). This variant is not present in population databases (gnomAD no frequency). This variant has not been reported in the literature in individuals affected with AGK-related conditions. ClinVar contains an entry for this variant (Variation ID: 2011707). An algorithm developed to predict the effect of missense changes on protein structure and function (PolyPhen-2) suggests that this variant is likely to be tolerated. In summary, the available evidence is currently insufficient to determine the role of this variant in disease. Therefore, it has been classified as a Variant of Uncertain Significance.